The following is an entry in ClinVar:

ClinVar aggregate classification (germline): Uncertain significance (1 of 4 stars; one submission).

Conditions:
Autosomal recessive limb-girdle muscular dystrophy type 2A (LGMDR1). Also called: MUSCULAR DYSTROPHY, PELVOFEMORAL; Limb-girdle muscular dystrophy, type 2A; LEYDEN-MOEBIUS MUSCULAR DYSTROPHY; Muscular dystrophy, limb-girdle, type 2A, Amish; Calpainopathy. Identifiers: Orphanet 267, MedGen C1869123, MONDO:0009675, OMIM 253600. Disease mechanism: loss of function.

Submission:

Clinical Omics and Informatics (COIN) Unit, Neuroscience Institute, University Of Cape Town
Classification: Uncertain significance for Autosomal recessive limb-girdle muscular dystrophy type 2A. Last evaluated: 2024-05-22. Review status: criteria provided, single submitter. Criteria: ACMG Guidelines, 2015. Collection method: research. Allele origin: germline. Inheritance: Autosomal recessive inheritance. Affected: yes. Observed: 1 variant allele, 1 compound heterozygote.
Comment: PM2_Supporting: this variant is absent from gnomAD v4.0 (adequate coverage >20X confirmed). PM1 not met: pathogenic variants are distributed throughout the protein. PP3_moderate: REVEL score is 0.918. PM5_Supporting: CAPN3 p.Cys414Arg classified as likely pathogenic (PMID: 31268554). PM3 Not Met: variant found together with likely pathogenic CAPN3 p.Arg489Gln variant in proband under assessment but not confirmed in trans- 0.25 points awarded.Sequencing funded by the International Centre for Genomic Medicine in Neuromuscular Diseases (ICGNMD).

Literature cited by the submitters: PubMed 37712079; PubMed 31268554.

NM_000070.3(CAPN3):c.1240T>G (p.Cys414Gly)

Gene: CAPN3 (calpain 3; plus strand). Cytogenetic location: 15q15.1.
Variant type: single nucleotide variant.
Coding change: c.1240T>G on transcript NM_000070.3 (MANE Select); coding-DNA position 1240, T replaced by G.
Protein change: p.Cys414Gly; replaces cysteine 414 with glycine.
Molecular consequence: missense variant.
Genome position (GRCh38, 1-based): chr15:42,399,538, T>G. VCF-style: chr15-42399538-T-G. GRCh37 (hg19) VCF-style: chr15-42691736-T-G.
Other names: c.1096T>G, p.Cys366Gly (NM_173087.2); c.979T>G, p.Cys327Gly (NM_212464.2); c.*933T>G (NM_212467.2); c.1240T>G, p.Cys414Gly (NM_024344.2); short protein forms C327G, C366G, C414G.
Identifiers: ClinVar variation 3064794 (VCV003064794.4), dbSNP rs2548273902, ClinGen allele CA391999414.